The following is an entry in ClinVar:

NM_000271.5(NPC1):c.1947+14_1947+15insGGA

Gene: NPC1 (NPC intracellular cholesterol transporter 1; minus strand). Cytogenetic location: 18q11.2.
Variant type: Insertion.
Coding change: c.1947+14_1947+15insGGA on transcript NM_000271.5 (MANE Select); bases 14 to 15 of the intron after coding-DNA position 1947, GGA inserted.
Molecular consequence: intron variant.
Genome position: GRCh38 VCF-style: chr18-23544945-C-CCCT. GRCh37 (hg19) VCF-style: chr18-21124909-C-CCCT.
Other names: c.1947+14_1947+15insAGG (NM_000271.4).
Identifiers: ClinVar variation 2725729 (VCV002725729.4), dbSNP rs1555634635, ClinGen allele CA2290168330.
Genomic context (GRCh38, chr18:23,544,945, plus strand): 5'-AAGAGGCAAAAATATGACGTTACACTGTGCACTGCTGTTAACCTCTAGAACATACACCAC[C>CCCT]CCCCCCCGGCTTACCAGAAGCCTGCGACAGCTTTTCATGTGCCCCAAGGCTAGGGAAATA-3'

ClinVar aggregate classification (germline): Likely benign. Review status: criteria provided, multiple submitters, no conflicts (2 of 4 stars). 2 submissions from 2 submitters: Likely benign (2). Last evaluated 2025-12-24.

Conditions:
NPC1-related disorder. Also called: NPC1-related condition.
Niemann-Pick disease, type C1. Also called: NIEMANN-PICK DISEASE WITH CHOLESTEROL ESTERIFICATION BLOCK; NIEMANN-PICK DISEASE WITHOUT SPHINGOMYELINASE DEFICIENCY; NIEMANN-PICK DISEASE, CHRONIC NEURONOPATHIC FORM; NIEMANN-PICK DISEASE, VARIANT TYPE C1; NEUROVISCERAL STORAGE DISEASE WITH VERTICAL SUPRANUCLEAR OPHTHALMOPLEGIA. Identifiers: Orphanet 646, MedGen C3179455, MONDO:0009757, OMIM 257220.

Submissions (2):

Labcorp Genetics (formerly Invitae), Labcorp
Classification: Likely benign for Niemann-Pick disease, type C1. Last evaluated: 2025-12-24. Review status: criteria provided, single submitter. Criteria: Invitae Variant Classification Sherloc (09022015). Collection method: clinical testing. Allele origin: germline.

PreventionGenetics, part of Exact Sciences
Classification: Likely benign for NPC1-related condition. Last evaluated: 2025-08-04. Review status: criteria provided, single submitter. Criteria: ACMG Guidelines, 2015. Collection method: clinical testing. Allele origin: germline.
Comment: This variant is classified as likely benign based on ACMG/AMP sequence variant interpretation guidelines (Richards et al. 2015 PMID: 25741868, with internal and published modifications).